The following is an entry in ClinVar:

NM_002160.4(TNC):c.3592C>T (p.Gln1198Ter)

Genes: TNC (tenascin C; minus strand), LOC126860741 (P300/CBP strongly-dependent group 1 enhancer GRCh37_chr9:117825442-117826641; plus strand). Cytogenetic location: 9q33.1.
Variant type: single nucleotide variant.
Coding change: c.3592C>T on transcript NM_002160.4 (MANE Select); coding-DNA position 3592, C replaced by T.
Protein change: p.Gln1198Ter; replaces glutamine 1198 with a stop codon.
Molecular consequence: nonsense.
Genome position (GRCh38, 1-based): chr9:115,063,964, G>A on the plus strand (C>T on the coding strand, the complement: TNC is on the minus strand). VCF-style: chr9-115063964-G-A. GRCh37 (hg19) VCF-style: chr9-117826243-G-A.
Other names: c.3592C>T, p.Gln1198Ter (NM_001410991.1); short protein forms Q1198*.
Identifiers: ClinVar variation 2429017 (VCV002429017.4), dbSNP rs766952465, ClinGen allele CA198708356.

ClinVar aggregate classification (germline): Uncertain significance (1 of 4 stars; one submission).

gnomAD v4.1: 10 of 1,614,134 alleles (0.00062%); highest among the groups gnomAD compares: Non-Finnish European, 0.00085%; no homozygotes.

Submission:

Greenwood Genetic Center Diagnostic Laboratories, Greenwood Genetic Center
Classification: Uncertain significance. Last evaluated: 2022-12-08. Review status: criteria provided, single submitter. Criteria: ACMG Guidelines, 2015. Collection method: clinical testing. Allele origin: germline. Affected: yes.
Comment: PM2